The following is an entry in ClinVar:

NM_001201543.2(FAM161A):c.1328_1333dup (p.Glu444_His445insProGlu)

Gene: FAM161A (FAM161 centrosomal protein A; minus strand). Cytogenetic location: 2p15.
Variant type: Duplication.
Coding change: c.1328_1333dup on transcript NM_001201543.2 (MANE Select); coding-DNA positions 1328 to 1333, 6 bases duplicated (CAGAAC; older notation c.1328_1333dupCAGAAC).
Protein change: p.Glu444_His445insProGlu.
Molecular consequence: inframe insertion. On other transcripts: non-coding transcript variant (1).
Genome position (GRCh38, 1-based): chr2:61,839,671-61,839,676, GTTCTG duplicated on the plus strand (CAGAAC on the coding strand, the reverse complement: FAM161A is on the minus strand). VCF-style (leftmost placement, unchanged base first): chr2-61839670-T-TGTTCTG. GRCh37 (hg19) VCF-style: chr2-62066805-T-TGTTCTG.
Other names: c.1328_1333dup, p.Glu444_His445insProGlu (NM_032180.3).
Identifiers: ClinVar variation 5003565 (VCV005003565.1).

ClinVar aggregate classification (germline): Uncertain significance (1 of 4 stars; one submission).

Conditions:
Retinitis pigmentosa 28 (RP28). Identifiers: Orphanet 791, MedGen C1419614, MONDO:0011630, OMIM 606068.

Submission:

Myriad Genetics, Inc.
Classification: Uncertain significance for Retinitis pigmentosa 28. Last evaluated: 2025-10-29. Review status: criteria provided, single submitter. Criteria: Myriad Autosomal Dominant, Autosomal Recessive and X-Linked Classification Criteria (2023). Collection method: clinical testing. Allele origin: unknown.
Comment: NM_001201543.1(FAM161A):c.1328_1333dup6(E444_H445insPE) is an in-frame insertion classified as a variant of uncertain significance in the context of retinitis pigmentosa, FAM161A-related. E444_H445insPE has not been observed in cases with relevant disease. Relevant functional assessments of this variant are not available in the literature. E444_H445insPE has not been observed in referenced population frequency databases. In summary, there is insufficient evidence to classify NM_001201543.1(FAM161A):c.1328_1333dup6(E444_H445insPE) as pathogenic or benign. Please note: this variant was assessed in the context of healthy population screening.